The following is an entry in ClinVar:

NM_004793.4(LONP1):c.2431_2433del (p.Lys811del)

Gene: LONP1 (lon peptidase 1, mitochondrial; minus strand). Cytogenetic location: 19p13.3.
Variant type: Deletion.
Coding change: c.2431_2433del on transcript NM_004793.4 (MANE Select); coding-DNA positions 2431 to 2433, 3 bases deleted (AAG; older notation c.2431_2433delAAG).
Protein change: p.Lys811del; deletes lysine 811.
Molecular consequence: non-coding transcript variant (on NR_076392.2).
Genome position (GRCh38, 1-based): chr19:5,693,657-5,693,659, CTT deleted on the plus strand (AAG on the coding strand, the reverse complement: LONP1 is on the minus strand); deleting any 3 consecutive bases within chr19:5,693,657-5,693,660 gives the same sequence; the c. name uses the placement nearest the transcript's 3' end. VCF-style (leftmost placement, unchanged base first): chr19-5693656-CCTT-C. GRCh37 (hg19) VCF-style: chr19-5693667-CCTT-C.
Other names: c.2239_2241del, p.Lys747del (NM_001276479.2); c.1843_1845del, p.Lys615del (NM_001276480.1); short protein forms K615del, K811del, K747del.
Identifiers: ClinVar variation 3700319 (VCV003700319.2).

ClinVar aggregate classification (germline): Uncertain significance (1 of 4 stars; one submission).

Submission:

Labcorp Genetics (formerly Invitae), Labcorp
Classification: Uncertain significance. Last evaluated: 2025-05-22. Review status: criteria provided, single submitter. Criteria: Invitae Variant Classification Sherloc (09022015). Collection method: clinical testing. Allele origin: germline.
Comment: This variant, c.2431_2433del, results in the deletion of 1 amino acid(s) of the LONP1 protein (p.Lys811del), but otherwise preserves the integrity of the reading frame. This variant is not present in population databases (gnomAD no frequency). This variant has not been reported in the literature in individuals affected with LONP1-related conditions. ClinVar contains an entry for this variant (Variation ID: 3700319). Experimental studies and prediction algorithms are not available or were not evaluated, and the functional significance of this variant is currently unknown. In summary, the available evidence is currently insufficient to determine the role of this variant in disease. Therefore, it has been classified as a Variant of Uncertain Significance.